The following is an entry in ClinVar:

NM_000535.7(PMS2):c.1004A>C (p.Asn335Thr)

Gene: PMS2 (PMS1 homolog 2, mismatch repair system component; minus strand). Cytogenetic location: 7p22.1.
Variant type: single nucleotide variant.
Coding change: c.1004A>C on transcript NM_000535.7 (MANE Select); coding-DNA position 1004, A replaced by C.
Protein change: p.Asn335Thr; replaces asparagine 335 with threonine.
Molecular consequence: missense variant. On other transcripts: non-coding transcript variant (1), intron variant (2).
Genome position (GRCh38, 1-based): chr7:5,989,940, T>G on the plus strand (A>C on the coding strand, the complement: PMS2 is on the minus strand). VCF-style: chr7-5989940-T-G. GRCh37 (hg19) VCF-style: chr7-6029571-T-G.
Other names: c.599A>C, p.Asn200Thr (NM_001322003.2, NM_001322004.2, NM_001322005.2 and 1 more transcripts); c.686A>C, p.Asn229Thr (NM_001322007.2, NM_001322008.2); c.71A>C, p.Asn24Thr (NM_001322011.2, NM_001322012.2); c.431A>C, p.Asn144Thr (NM_001322013.2); c.1004A>C, p.Asn335Thr (NM_001322014.2); c.695A>C, p.Asn232Thr (NM_001322015.2); c.583+2033A>C (NM_001322010.2); c.988+2033A>C (NM_001322006.2); short protein forms N200T, N335T, N232T, N229T, N144T, N24T.
Identifiers: ClinVar variation 1397593 (VCV001397593.8), dbSNP rs200513014, ClinGen allele CA366743008.

ClinVar aggregate classification (germline): Uncertain significance (1 of 4 stars; one submission).

Conditions:
Hereditary nonpolyposis colorectal neoplasms. Identifiers: MedGen C0009405, MeSH D003123.

gnomAD v4.1: 1 of 1,607,538 alleles (0.000062%); highest among the groups gnomAD compares: South Asian, 0.0011%; no homozygotes.

Submission:

Labcorp Genetics (formerly Invitae), Labcorp
Classification: Uncertain significance for Hereditary nonpolyposis colorectal neoplasms. Last evaluated: 2021-05-27. Review status: criteria provided, single submitter. Criteria: Invitae Variant Classification Sherloc (09022015). Collection method: clinical testing. Allele origin: germline.
Comment: In summary, the available evidence is currently insufficient to determine the role of this variant in disease. Therefore, it has been classified as a Variant of Uncertain Significance. Algorithms developed to predict the effect of missense changes on protein structure and function (SIFT, PolyPhen-2, Align-GVGD) all suggest that this variant is likely to be disruptive, but these predictions have not been confirmed by published functional studies and their clinical significance is uncertain. This variant has not been reported in the literature in individuals with PMS2-related conditions. This variant is not present in population databases (ExAC no frequency). This sequence change replaces asparagine with threonine at codon 335 of the PMS2 protein (p.Asn335Thr). The asparagine residue is highly conserved and there is a small physicochemical difference between asparagine and threonine.